The following is an entry in ClinVar:

NM_000410.4(HFE):c.105G>C (p.Met35Ile)

Genes: HFE (homeostatic iron regulator; plus strand), HFE-AS1 (HFE antisense RNA 1; minus strand). Cytogenetic location: 6p22.2.
Variant type: single nucleotide variant.
Coding change: c.105G>C on transcript NM_000410.4 (MANE Select); coding-DNA position 105, G replaced by C.
Protein change: p.Met35Ile; replaces methionine 35 with isoleucine.
Molecular consequence: missense variant. On other transcripts: non-coding transcript variant (1), intron variant (5).
Genome position (GRCh38, 1-based): chr6:26,090,869, G>C. VCF-style: chr6-26090869-G-C. GRCh37 (hg19) VCF-style: chr6-26091097-G-C.
Other names: c.105G>C, p.Met35Ile (NM_001300749.3, NM_001384164.1, NM_001406751.1 and 3 more transcripts); c.77-41G>C (NM_139009.3); c.77-445G>C (NM_139007.3, NM_139008.3); c.77-1816G>C (NM_139010.3); c.77-2250G>C (NM_139011.3); short protein forms M35I.
Identifiers: ClinVar variation 1712606 (VCV001712606.2), dbSNP rs1762646707, ClinGen allele CA363204026.

ClinVar aggregate classification (germline): Uncertain significance (1 of 4 stars; one submission).

Allele frequency attached by ClinVar (database versions not stated): TOPMed below 0.00001; gnomAD exomes 0.00001.
gnomAD v4.1: 4 of 1,614,040 alleles (0.00025%); highest among the groups gnomAD compares: Non-Finnish European, 0.00034%; no homozygotes.

Submission:

GeneDx
Classification: Uncertain significance. Last evaluated: 2022-04-25. Review status: criteria provided, single submitter. Criteria: GeneDx Variant Classification Process June 2021. Collection method: clinical testing. Allele origin: germline. Affected: yes.
Comment: Not observed at significant frequency in large population cohorts (gnomAD); In silico analysis supports that this missense variant does not alter protein structure/function; Has not been previously published as pathogenic or benign to our knowledge